The following continues an entry in ClinVar:

NM_000540.3(RYR1):c.7025A>G (p.Asn2342Ser)

Gene: RYR1. ClinVar aggregate classification (germline): Benign/Likely benign. Benign (1); Likely benign (1).

Submissions 11 to 25 of 25:

Women's Health and Genetics/Laboratory Corporation of America, LabCorp
Classification: Likely benign. Last evaluated: 2024-05-28. Review status: criteria provided, single submitter. Criteria: LabCorp Variant Classification Summary - May 2015. Collection method: clinical testing. Allele origin: germline. Not counted in ClinVar's aggregate classification.
Comment: Variant summary: RYR1 c.7025A>G (p.Asn2342Ser) results in a conservative amino acid change located in the RIH domain (IPR000699) of the encoded protein sequence. Four of five in-silico tools predict a damaging effect of the variant on protein function. Consensus agreement among computation tools predict no significant impact on normal splicing. However, these predictions have yet to be confirmed by functional studies. The variant allele was found at a frequency of 0.0015 in 1614118 control chromosomes, predominantly at a frequency of 0.0018 within the South Asian subpopulation in the gnomAD database, including 1 homozygote. The observed variant frequency within South Asian control individuals in the gnomAD database is approximately 21 fold of the estimated maximal expected allele frequency for a pathogenic variant in RYR1 causing Malignant Hyperthermia Susceptibility phenotype (8.8e-05). c.7025A>G has been reported in the literature in individuals affected with malignant hyperthermia susceptibility (example: Carpenter_2009, Schiemann_2020). However, these report(s) do not provide unequivocal conclusions about association of the variant with Malignant Hyperthermia Susceptibility. Co-occurrences with other pathogenic variants have been reported (RYR1 c.1021G>A, p.Gly341Arg; RYR1 c.7063C>T, p.Arg2355Trp), providing supporting evidence for a benign role. In functional calcium release assays, the variant showed increased sensitivity compared to wild-type control cells (Schiemann_2020). The following publications have been ascertained in the context of this evaluation (PMID: 19825159, 31903994). ClinVar contains an entry for this variant (Variation ID: 133175). Based on the evidence outlined above, the variant was classified as likely benign.

Muscle and Diseases Team, Institut de Génétique et Biologie Moléculaire et Cellulaire
Classification: Uncertain significance for Centronuclear myopathy. Last evaluated: 2024-03-01. Review status: criteria provided, single submitter. Criteria: ACMG Guidelines, 2015. Collection method: research. Allele origin: unknown. Affected: yes. Observed: 1 variant allele. Not counted in ClinVar's aggregate classification.
Comment: PP1_Strong+PM2+PP2+BS2

Mendelics
Classification: Benign for Malignant hyperthermia, susceptibility to, 1. Last evaluated: 2023-08-22. Review status: criteria provided, single submitter. Criteria: Mendelics Assertion Criteria 2019. Collection method: clinical testing. Allele origin: germline. Not counted in ClinVar's aggregate classification.

Molecular Genetics, Royal Melbourne Hospital
Classification: Uncertain significance for Malignant hyperthermia, susceptibility to, 1. Last evaluated: 2023-07-07. Review status: criteria provided, single submitter. Criteria: ACMG Guidelines, 2015. Collection method: clinical testing. Allele origin: germline. Inheritance: Autosomal dominant inheritance. Affected: yes. Not counted in ClinVar's aggregate classification.
Comment: This sequence change is predicted to replace asparagine with serine at codon 2342 of the RYR1 protein, p.(Asn2342Ser). The asparagine residue is evolutionarily conserved (100 vertebrates, UCSC), and is located in exon 43 in the central region hotspot of the RYR1 cytosolic shell (amino acids 2,101-2,458). There is a small physicochemical difference between asparagine and serine. The highest population minor allele frequency in gnomAD v3.1 is 0.2% (121/68,012 alleles) in the European (non-Finnish) population. The prevalence of the variant in malignant hyperthermia (MH) susceptible individuals with positive in vitro contracture tests (IVCT) is significantly increased compared with the prevalence in the European (non-Finnish) population (the population with the maximum allele frequency) in gnomAD v3.1 (Odds ratio 3.06, 95% CI:1.64 to 5.68, p=0.0004; PMID: 19191333, 23558838, 25960145, 28224104, 30236257). There is conflicting segregation of the variant in MH susceptible and non-susceptible individuals in multiple families (PMID: 15221887, 20681998, 25960145). The variant demonstrates increased sensitivity to RYR1 agonist in an HEK293 in vitro assay with appropriate controls and in patient cells (PMID: 19191333, 31903994). The variant has been reported in at least two unrelated individuals with a negative IVCT (PMID: 15221887, 20681998). Computational evidence is uninformative for the missense substitution (REVEL = 0.639). Based on the classification scheme RMH Modified ACMG Guidelines v1.6.1, this variant is classified as a VARIANT OF UNCERTAIN SIGNIFICANCE. Following criteria are met: PS3_Moderate, PM1, PS4_Supporting, PP1, BS1, BS2.

Color Diagnostics, LLC DBA Color Health
Classification: Likely benign for Malignant hyperthermia, susceptibility to, 1. Last evaluated: 2022-07-13. Review status: criteria provided, single submitter. Criteria: ACMG Guidelines, 2015. Collection method: clinical testing. Allele origin: germline. Not counted in ClinVar's aggregate classification.

GeneDx
Classification: Likely benign. Last evaluated: 2021-11-30. Review status: criteria provided, single submitter. Criteria: GeneDx Variant Classification Process June 2021. Collection method: clinical testing. Allele origin: germline. Affected: yes. Not counted in ClinVar's aggregate classification.
Comment: See Variant Classification Assertion Criteria.

Department of Pathology and Laboratory Medicine, Sinai Health System
Classification: Uncertain significance for Central core myopathy; Malignant hyperthermia, susceptibility to, 1; Congenital multicore myopathy with external ophthalmoplegia; King Denborough syndrome. Last evaluated: 2021-07-30. Review status: criteria provided, single submitter. Criteria: ACMG Guidelines, 2015. Collection method: research. Allele origin: germline. Not counted in ClinVar's aggregate classification.

Cambridge Genomics Laboratory, East Genomic Laboratory Hub, NHS Genomic Medicine Service
Classification: Likely benign for Hereditary skeletal muscle disorder. Last evaluated: 2019-10-24. Review status: criteria provided, single submitter. Criteria: ACGS Best Practice Guidelines for Variant Classification in Rare Disease 2020. Collection method: clinical testing. Allele origin: germline. Affected: yes. Observed: 1 variant allele. Not counted in ClinVar's aggregate classification.

Institute of Human Genetics, University of Leipzig Medical Center
Classification: Uncertain significance for Malignant hyperthermia, susceptibility to, 1. Last evaluated: 2019-01-01. Review status: criteria provided, single submitter. Criteria: ACMG Guidelines, 2015. Collection method: clinical testing. Allele origin: unknown. Affected: yes. Not counted in ClinVar's aggregate classification.

Center for Pediatric Genomic Medicine, Children's Mercy Hospital and Clinics
Classification: Uncertain significance. Last evaluated: 2017-05-12. Review status: criteria provided, single submitter. Criteria: ACMG Guidelines, 2015. Collection method: clinical testing. Allele origin: germline. Not counted in ClinVar's aggregate classification.

Laboratory for Molecular Medicine, Mass General Brigham Personalized Medicine
Classification: Uncertain significance. Last evaluated: 2017-01-24. Review status: criteria provided, single submitter. Criteria: LMM Criteria. Collection method: clinical testing. Allele origin: germline. Not counted in ClinVar's aggregate classification.
Comment: Variant identified in a genome or exome case(s) and assessed due to predicted null impact of the variant or pathogenic assertions in the literature or databases. Disclaimer: This variant has not undergone full assessment. The following are preliminary notes: This variant is present in ExAC at a MaxMAF of 0.24% in South Asian chromosomes (including 1 homozygote). It is present in 11 papers in HGMD, most of which classify the variant as a VUS as it has been seen in affected and unaffected patients. It is classified with 1 star in ClinVar as VUS by Emory and CSER and as Likely benign by Biesecker Lab. It is not present in the RYR1 database.

Eurofins Ntd Llc (ga)
Classification: Uncertain significance. Last evaluated: 2014-03-21. Review status: criteria provided, single submitter. Criteria: EGL Classification Definitions 2015. Collection method: clinical testing. Allele origin: germline. Observed: 2 variant alleles, 2 heterozygotes. Not counted in ClinVar's aggregate classification.

Biesecker Lab/Clinical Genomics Section, National Institutes of Health
Classification: Likely benign for Malignant hyperthermia, susceptibility to, 1. Last evaluated: 2013-07-01. Review status: criteria provided, single submitter. Criteria: Gonsalves et al. 2013. Collection method: research. Allele origin: unknown. Observed: 2 variant alleles. Study: ClinSeq. Not counted in ClinVar's aggregate classification.
Comment: The study set was not selected for affection status in relation to any myopathy. Pathogenicity categories were based on literature curation. See Pubmed ID: 24195946 for details.

CSER _CC_NCGL, University of Washington
Classification: Uncertain significance for Malignant hyperthermia. Last evaluated: 2014-06-01. Review status: no assertion criteria provided. Collection method: research. Allele origin: germline. Inheritance: Autosomal dominant inheritance. Study: ESP 6500 variant annotation. Not counted in ClinVar's aggregate classification.
Comment: Variants classified for the Actionable exomic incidental findings in 6503 participants: challenges of variant classification manuscript

RYR1 database
No classification provided. Review status: no classification provided. Collection method: not provided. Allele origin: unknown. Not counted in ClinVar's aggregate classification.

Literature cited by the submitters: PubMed 15221887 (cited by 4 submitters); PubMed 19191333 (cited by 3 submitters); PubMed 20681998 (cited by Ambry Genetics and Molecular Genetics, Royal Melbourne Hospital); PubMed 23558838 (cited by 3 submitters); PubMed 24055113 (cited by Ambry Genetics and Mayo Clinic Laboratories, Mayo Clinic); PubMed 24195946 (cited by Ambry Genetics and Mayo Clinic Laboratories, Mayo Clinic); PubMed 30236257 (cited by 3 submitters); PubMed 31903994 (cited by 4 submitters); PubMed 22473935 (cited by Mayo Clinic Laboratories, Mayo Clinic); PubMed 23329375 (cited by Mayo Clinic Laboratories, Mayo Clinic); PubMed 25637381 (cited by Mayo Clinic Laboratories, Mayo Clinic); PubMed 26332594 (cited by Mayo Clinic Laboratories, Mayo Clinic); PubMed 30611313 (cited by Mayo Clinic Laboratories, Mayo Clinic); PubMed 30788618 (cited by Mayo Clinic Laboratories, Mayo Clinic); PubMed 35428369 (cited by Mayo Clinic Laboratories, Mayo Clinic); PubMed 36833224 (cited by Mayo Clinic Laboratories, Mayo Clinic); PubMed 37937776 (cited by Mayo Clinic Laboratories, Mayo Clinic); PubMed 38982518 (cited by Mayo Clinic Laboratories, Mayo Clinic); PubMed 19825159 (cited by Women's Health and Genetics/Laboratory Corporation of America, LabCorp); DOI 10.1186/s13073-024-01353-0 (cited by Muscle and Diseases Team, Institut de Génétique et Biologie Moléculaire et Cellulaire); PubMed 23826317 (cited by Muscle and Diseases Team, Institut de Génétique et Biologie Moléculaire et Cellulaire); PubMed 25960145 (cited by Molecular Genetics, Royal Melbourne Hospital); PubMed 28224104 (cited by Molecular Genetics, Royal Melbourne Hospital).